The following is an entry in ClinVar:

NM_001166108.2(PALLD):c.1733C>T (p.Ser578Leu)

Gene: PALLD (palladin, cytoskeletal associated protein; plus strand). Cytogenetic location: 4q32.3.
Variant type: single nucleotide variant.
Coding change: c.1733C>T on transcript NM_001166108.2 (MANE Select); coding-DNA position 1733, C replaced by T.
Protein change: p.Ser578Leu; replaces serine 578 with leucine.
Molecular consequence: missense variant.
Genome position (GRCh38, 1-based): chr4:168,711,692, C>T. VCF-style: chr4-168711692-C-T. GRCh37 (hg19) VCF-style: chr4-169632843-C-T.
Other names: c.587C>T, p.Ser196Leu (NM_001166109.2); c.1733C>T, p.Ser578Leu (NM_016081.4); short protein forms S196L, S578L.
Identifiers: ClinVar variation 2625554 (VCV002625554.2), dbSNP rs2531855443, ClinGen allele CA358798097.

ClinVar aggregate classification (germline): Uncertain significance (1 of 4 stars; one submission).

Allele frequency attached by ClinVar (database versions not stated): gnomAD exomes below 0.00001.
gnomAD v4.1: 1 of 1,614,122 alleles (0.000062%); highest among the groups gnomAD compares: East Asian, 0.0022%; no homozygotes.

Submission:

Ambry Genetics
Classification: Uncertain significance. Last evaluated: 2023-07-13. Review status: criteria provided, single submitter. Criteria: Ambry Variant Classification Scheme 2023. Collection method: clinical testing. Allele origin: germline.
Comment: The p.S578L variant (also known as c.1733C>T), located in coding exon 9 of the PALLD gene, results from a C to T substitution at nucleotide position 1733. The serine at codon 578 is replaced by leucine, an amino acid with dissimilar properties. This amino acid position is conserved. In addition, this alteration is predicted to be tolerated by in silico analysis. Since supporting evidence is limited at this time, the clinical significance of this alteration remains unclear.